The following is an entry in ClinVar:

ClinVar aggregate classification (germline): Uncertain significance. Review status: criteria provided, multiple submitters, no conflicts (2 of 4 stars). 2 submissions from 2 submitters: Uncertain significance (2). Last evaluated 2025-08-03.

Conditions:
Inborn genetic diseases. Identifiers: MedGen C0950123, MeSH D030342.

Allele frequency attached by ClinVar (database versions not stated): gnomAD 0.00001; TOPMed 0.00001; ExAC 0.00004.

Submissions (2):

Labcorp Genetics (formerly Invitae), Labcorp
Classification: Uncertain significance. Last evaluated: 2025-08-03. Review status: criteria provided, single submitter. Criteria: Invitae Variant Classification Sherloc (09022015). Collection method: clinical testing. Allele origin: germline.
Comment: This sequence change replaces arginine, which is basic and polar, with histidine, which is basic and polar, at codon 567 of the GZF1 protein (p.Arg567His). This variant is present in population databases (rs775728118, gnomAD 0.01%). This variant has not been reported in the literature in individuals affected with GZF1-related conditions. ClinVar contains an entry for this variant (Variation ID: 1917221). An algorithm developed to predict the effect of missense changes on protein structure and function (PolyPhen-2) suggests that this variant is likely to be disruptive. In summary, the available evidence is currently insufficient to determine the role of this variant in disease. Therefore, it has been classified as a Variant of Uncertain Significance.

Ambry Genetics
Classification: Uncertain significance for Inborn genetic diseases. Last evaluated: 2023-02-23. Review status: criteria provided, single submitter. Criteria: Ambry Variant Classification Scheme 2023. Collection method: clinical testing. Allele origin: germline.

NM_022482.5(GZF1):c.1700G>A (p.Arg567His)

Gene: GZF1 (GDNF inducible zinc finger protein 1; plus strand). Cytogenetic location: 20p11.21.
Variant type: single nucleotide variant.
Coding change: c.1700G>A on transcript NM_022482.5 (MANE Select); coding-DNA position 1700, G replaced by A.
Protein change: p.Arg567His; replaces arginine 567 with histidine.
Molecular consequence: missense variant.
Genome position (GRCh38, 1-based): chr20:23,369,656, G>A. VCF-style: chr20-23369656-G-A. GRCh37 (hg19) VCF-style: chr20-23350293-G-A.
Other names: c.1700G>A, p.Arg567His (NM_001317012.2, NM_001317019.1); c.1700G>A (NM_022482.3); short protein forms R567H.
Identifiers: ClinVar variation 1917221 (VCV001917221.6), dbSNP rs775728118, ClinGen allele CA9788782.